The following is an entry in ClinVar:

ClinVar aggregate classification (germline): Benign. Review status: criteria provided, multiple submitters, no conflicts (2 of 4 stars). 9 submissions from 9 submitters: Benign (7). 2 of the submissions do not count toward it. Last evaluated 2026-02-04.

Conditions:
Disorders of Intracellular Cobalamin Metabolism. Identifiers: MedGen CN043592.
Methylcobalamin deficiency type cblG (HMAG). Also called: HOMOCYSTINURIA-MEGALOBLASTIC ANEMIA, cblG COMPLEMENTATION TYPE; HOMOCYSTINURIA-MEGALOBLASTIC ANEMIA, cblG TYPE; Functional methionine synthase deficiency type cblG; HOMOCYSTINURIA-MEGALOBLASTIC ANEMIA DUE TO DEFECT IN COBALAMIN METABOLISM, cblG COMPLEMENTATION TYPE. Identifiers: Orphanet 2170, Orphanet 622, MedGen C1855128, MONDO:0009609, OMIM 250940.

Allele frequency attached by ClinVar (database versions not stated): 1000 Genomes Project 30x 0.22876; 1000 Genomes Project 0.23223; TOPMed 0.26395; ESP Exome Variant Server 0.26665; gnomAD 0.27320 and 0.27527; ExAC 0.31840; gnomAD exomes 0.32197.
gnomAD v4.1: 551,253 of 1,611,418 alleles (34%); highest among the groups gnomAD compares: Middle Eastern, 37%; 99,398 homozygotes.

Submissions (9):

Labcorp Genetics (formerly Invitae), Labcorp
Classification: Benign for Methylcobalamin deficiency type cblG. Last evaluated: 2026-02-04. Review status: criteria provided, single submitter. Criteria: Invitae Variant Classification Sherloc (09022015). Collection method: clinical testing. Allele origin: germline.

Mayo Clinic Laboratories, Mayo Clinic
Classification: Benign. Last evaluated: 2022-03-31. Review status: criteria provided, single submitter. Criteria: ACMG Guidelines, 2015. Collection method: clinical testing. Allele origin: germline. Observed: 57 variant alleles.

Genome-Nilou Lab
Classification: Benign for Methylcobalamin deficiency type cblG. Last evaluated: 2021-09-05. Review status: criteria provided, single submitter. Criteria: ACMG Guidelines, 2015. Collection method: clinical testing. Allele origin: germline. Affected: no.

Illumina Laboratory Services, Illumina
Classification: Benign for Disorders of Intracellular Cobalamin Metabolism. Last evaluated: 2018-01-13. Review status: criteria provided, single submitter. Criteria: ICSL Variant Classification Criteria 13 December 2019. Collection method: clinical testing. Allele origin: germline.
Comment: This variant was observed in the ICSL laboratory as part of a predisposition screen in an ostensibly healthy population. It had not been previously curated by ICSL or reported in the Human Gene Mutation Database (HGMD: prior to June 1st, 2018), and was therefore a candidate for classification through an automated scoring system. Utilizing variant allele frequency, disease prevalence and penetrance estimates, and inheritance mode, an automated score was calculated to assess if this variant is too frequent to cause the disease. Based on the score and internal cut-off values, a variant classified as benign is not then subjected to further curation. The score for this variant resulted in a classification of benign for this disease.

GeneDx
Classification: Benign. Last evaluated: 2013-05-29. Review status: criteria provided, single submitter. Criteria: GeneDx Variant Classification (06012015). Collection method: clinical testing. Allele origin: germline. Affected: yes.
Comment: This variant is considered likely benign or benign based on one or more of the following criteria: it is a conservative change, it occurs at a poorly conserved position in the protein, it is predicted to be benign by multiple in silico algorithms, and/or has population frequency not consistent with disease.

Breakthrough Genomics
Classification: Benign. Review status: criteria provided, single submitter. Criteria: ACMG Guidelines, 2015. Collection method: not provided. Allele origin: germline. Inheritance: Autosomal recessive inheritance. Affected: yes.

PreventionGenetics, part of Exact Sciences
Classification: Benign. Review status: criteria provided, single submitter. Criteria: ACMG Guidelines, 2015. Collection method: clinical testing. Allele origin: germline.

Clinical Genetics, Academic Medical Center
Classification: Benign. Review status: no assertion criteria provided. Collection method: clinical testing. Allele origin: germline. Affected: yes. Study: VKGL Data-share Consensus. Not counted in ClinVar's aggregate classification.

Diagnostic Laboratory, Department of Genetics, University Medical Center Groningen
Classification: Benign. Review status: no assertion criteria provided. Collection method: clinical testing. Allele origin: germline. Affected: yes. Study: VKGL Data-share Consensus. Not counted in ClinVar's aggregate classification.

NM_000254.3(MTR):c.2594+15T>C

Gene: MTR (5-methyltetrahydrofolate-homocysteine methyltransferase; plus strand). Cytogenetic location: 1q43.
Variant type: single nucleotide variant.
Coding change: c.2594+15T>C on transcript NM_000254.3 (MANE Select); 15 bases into the intron after coding-DNA position 2594, T replaced by C.
Molecular consequence: intron variant.
Genome position (GRCh38, 1-based): chr1:236,874,861, T>C. VCF-style: chr1-236874861-T-C. GRCh37 (hg19) VCF-style: chr1-237038161-T-C.
Other names: p.?; c.2441+15T>C (NM_001291939.1); c.1373+15T>C (NM_001291940.2).
Identifiers: ClinVar variation 138288 (VCV000138288.21), dbSNP rs1770449, ClinGen allele CA292214.